The following is an entry in ClinVar:

ClinVar aggregate classification (germline): Pathogenic/Likely pathogenic. Review status: criteria provided, multiple submitters, no conflicts (2 of 4 stars). 3 submissions from 3 submitters: Pathogenic (2); Likely pathogenic (1). Last evaluated 2023-02-21.

Conditions:
Cardiovascular phenotype. Identifiers: MedGen CN230736.
Telangiectasia, hereditary hemorrhagic, type 2 (HHT2). Also called: ACVRL1-Related Hereditary Hemorrhagic Telangiectasia; Telangiectasia, hereditary hemorrhagic, type II. Identifiers: Orphanet 774, MedGen C1838163, MONDO:0010880, OMIM 600376. Disease mechanism: loss of function.

Submissions (3):

Labcorp Genetics (formerly Invitae), Labcorp
Classification: Pathogenic for Telangiectasia, hereditary hemorrhagic, type 2. Last evaluated: 2023-02-21. Review status: criteria provided, single submitter. Criteria: Invitae Variant Classification Sherloc (09022015). Collection method: clinical testing. Allele origin: germline.
Comment: For these reasons, this variant has been classified as Pathogenic. Algorithms developed to predict the effect of sequence changes on RNA splicing suggest that this variant may disrupt the consensus splice site. ClinVar contains an entry for this variant (Variation ID: 1163057). Disruption of this splice site has been observed in individuals with hereditary hemorrhagic telangiectasia (PMID: 16705692; Invitae). This variant is not present in population databases (gnomAD no frequency). This sequence change affects a donor splice site in intron 7 of the ACVRL1 gene. It is expected to disrupt RNA splicing. Variants that disrupt the donor or acceptor splice site typically lead to a loss of protein function (PMID: 16199547), and loss-of-function variants in ACVRL1 are known to be pathogenic (PMID: 15879500).

Mayo Clinic Laboratories, Mayo Clinic
Classification: Likely pathogenic. Last evaluated: 2020-09-02. Review status: criteria provided, single submitter. Criteria: ACMG Guidelines, 2015. Collection method: clinical testing. Allele origin: germline. Observed: 1 variant allele.
Comment: PVS1_Strong, PM2, PS4_Moderate

Ambry Genetics
Classification: Pathogenic for Cardiovascular phenotype. Last evaluated: 2017-06-29. Review status: criteria provided, single submitter. Criteria: Ambry Variant Classification Scheme 2023. Collection method: clinical testing. Allele origin: germline.
Comment: The c.1048+1G>A intronic pathogenic mutation results from a G to A substitution one nucleotide after coding exon 6 of the ACVRL1 gene. This mutation was identified in an individual with a clinical diagnosis of hereditary hemorrhagic telangiectasia (Lesca G et al. Hum. Mutat., 2006 Jun;27:598). In addition to the clinical data presented in the literature, alterations that disrupt the canonical splice site are expected to cause aberrant splicing, resulting in an abnormal protein or a transcript that is subject to nonsense-mediated mRNA decay. As such, this alteration is classified as likely pathogenic.

Literature cited by the submitters: PubMed 16705692 (cited by 3 submitters); PubMed 16199547 (cited by Labcorp Genetics (formerly Invitae), Labcorp); PubMed 15879500 (cited by Labcorp Genetics (formerly Invitae), Labcorp).

NM_000020.3(ACVRL1):c.1048+1G>A

Gene: ACVRL1 (activin A receptor like type 1; plus strand). Cytogenetic location: 12q13.13.
Variant type: single nucleotide variant.
Coding change: c.1048+1G>A on transcript NM_000020.3 (MANE Select); the canonical splice donor site of the intron after coding-DNA position 1048, G replaced by A.
Molecular consequence: splice donor variant.
Genome position (GRCh38, 1-based): chr12:51,915,501, G>A. VCF-style: chr12-51915501-G-A. GRCh37 (hg19) VCF-style: chr12-52309285-G-A.
Other names: c.1048+1G>A (NM_001406487.1, NM_001406488.1, NM_001077401.2 and 1 more transcripts); c.736+1G>A (NM_001406491.1, NM_001406493.1, NM_001406490.1 and 2 more transcripts); c.484+1G>A (NM_001406495.1).
Identifiers: ClinVar variation 1163057 (VCV001163057.10), dbSNP rs2139074368, ClinGen allele CA384901874.